The following is an entry in ClinVar:

NM_001354930.2(RIPK1):c.226G>A (p.Val76Met)

Gene: RIPK1 (receptor interacting serine/threonine kinase 1; plus strand). Cytogenetic location: 6p25.2.
Variant type: single nucleotide variant.
Coding change: c.226G>A on transcript NM_001354930.2 (MANE Select); coding-DNA position 226, G replaced by A.
Protein change: p.Val76Met; replaces valine 76 with methionine.
Molecular consequence: missense variant. On other transcripts: 5 prime UTR variant (4).
Genome position (GRCh38, 1-based): chr6:3,077,840, G>A. VCF-style: chr6-3077840-G-A. GRCh37 (hg19) VCF-style: chr6-3078074-G-A.
Other names: c.-378G>A (NM_001317061.3, NM_001354932.2, NM_001354933.2 and 1 more transcripts); c.226G>A, p.Val76Met (NM_001354931.2, NM_003804.6); short protein forms V76M.
Identifiers: ClinVar variation 2844468 (VCV002844468.3), dbSNP rs376914574, ClinGen allele CA3618120.

ClinVar aggregate classification (germline): Uncertain significance (1 of 4 stars; one submission).

Allele frequency attached by ClinVar (database versions not stated): ExAC 0.00001; ESP Exome Variant Server 0.00008; TOPMed 0.00003; gnomAD 0.00002.

Submission:

Labcorp Genetics (formerly Invitae), Labcorp
Classification: Uncertain significance. Last evaluated: 2025-05-24. Review status: criteria provided, single submitter. Criteria: Invitae Variant Classification Sherloc (09022015). Collection method: clinical testing. Allele origin: germline.
Comment: This sequence change replaces valine, which is neutral and non-polar, with methionine, which is neutral and non-polar, at codon 76 of the RIPK1 protein (p.Val76Met). This variant is present in population databases (rs376914574, gnomAD 0.002%). This variant has not been reported in the literature in individuals affected with RIPK1-related conditions. ClinVar contains an entry for this variant (Variation ID: 2844468). An algorithm developed to predict the effect of missense changes on protein structure and function outputs the following: PolyPhen-2: "Possibly Damaging". The methionine amino acid residue is found in multiple mammalian species, which suggests that this missense change does not adversely affect protein function. In summary, the available evidence is currently insufficient to determine the role of this variant in disease. Therefore, it has been classified as a Variant of Uncertain Significance.